The following is an entry in ClinVar:

ClinVar aggregate classification (germline): Benign. Review status: criteria provided, multiple submitters, no conflicts (2 of 4 stars). 2 submissions from 2 submitters: Benign (2). Last evaluated 2018-06-14.

Allele frequency attached by ClinVar (database versions not stated): gnomAD exomes 0.03245; gnomAD 0.03806 and 0.04053; TOPMed 0.04894; 1000 Genomes Project 30x 0.09244; 1000 Genomes Project 0.09585.
gnomAD v4.1: 22,220 of 642,916 alleles (3.5%); highest among the groups gnomAD compares: East Asian, 24%; 1,486 homozygotes.

Submissions (2):

GeneDx
Classification: Benign. Last evaluated: 2018-06-14. Review status: criteria provided, single submitter. Criteria: GeneDx Variant Classification (06012015). Collection method: clinical testing. Allele origin: germline. Affected: yes.
Comment: This variant is considered likely benign or benign based on one or more of the following criteria: it is a conservative change, it occurs at a poorly conserved position in the protein, it is predicted to be benign by multiple in silico algorithms, and/or has population frequency not consistent with disease.

Breakthrough Genomics
Classification: Benign. Review status: criteria provided, single submitter. Criteria: ACMG Guidelines, 2015. Collection method: not provided. Allele origin: germline. Inheritance: Autosomal recessive inheritance. Affected: yes.

NM_145691.4(ATPAF2):c.422+206T>A

Gene: ATPAF2 (ATP synthase mitochondrial F1 complex assembly factor 2; minus strand). Cytogenetic location: 17p11.2.
Variant type: single nucleotide variant.
Coding change: c.422+206T>A on transcript NM_145691.4 (MANE Select); 206 bases into the intron after coding-DNA position 422, T replaced by A.
Molecular consequence: intron variant.
Genome position (GRCh38, 1-based): chr17:18,026,113, A>T on the plus strand (T>A on the coding strand, the complement: ATPAF2 is on the minus strand). VCF-style: chr17-18026113-A-T. GRCh37 (hg19) VCF-style: chr17-17929427-A-T.
Identifiers: ClinVar variation 673034 (VCV000673034.2), dbSNP rs78195988, ClinGen allele CA288411896.